The following is an entry in ClinVar:

NM_001388306.1(MIDN):c.872C>T (p.Ala291Val)

Gene: MIDN (midnolin; plus strand). Cytogenetic location: 19p13.3.
Variant type: single nucleotide variant.
Coding change: c.872C>T on transcript NM_001388306.1 (MANE Select); coding-DNA position 872, C replaced by T.
Protein change: p.Ala291Val; replaces alanine 291 with valine.
Molecular consequence: missense variant.
Genome position (GRCh38, 1-based): chr19:1,254,948, C>T. VCF-style: chr19-1254948-C-T. GRCh37 (hg19) VCF-style: chr19-1254947-C-T.
Other names: c.740C>T, p.Ala247Val (NM_001388307.1); c.743C>T, p.Ala248Val (NM_001388474.1, NM_177401.5); short protein forms A247V, A248V, A291V.
Identifiers: ClinVar variation 3046619 (VCV003046619.2), dbSNP rs149674816, ClinGen allele CA9040757.

ClinVar aggregate classification (germline): Likely benign (0 of 4 stars; one submission).

Conditions:
MIDN-related disorder. Also called: MIDN-related condition.

Allele frequency attached by ClinVar (database versions not stated): gnomAD exomes 0.00005; 1000 Genomes Project 30x 0.00016; ExAC 0.00018; 1000 Genomes Project 0.00020; gnomAD 0.00046; TOPMed 0.00051; ESP Exome Variant Server 0.00062.
gnomAD v4.1: 145 of 1,612,302 alleles (0.009%); highest among the groups gnomAD compares: African/African-American, 0.18%; no homozygotes.

Submission:

PreventionGenetics, part of Exact Sciences
Classification: Likely benign for MIDN-related condition. Last evaluated: 2022-04-06. Review status: no assertion criteria provided. Collection method: clinical testing. Allele origin: germline.
Comment: This variant is classified as likely benign based on ACMG/AMP sequence variant interpretation guidelines (Richards et al. 2015 PMID: 25741868, with internal and published modifications).